The following is an entry in ClinVar:

ClinVar aggregate classification (germline): Likely pathogenic. Review status: criteria provided, multiple submitters, no conflicts (2 of 4 stars). 4 submissions from 4 submitters: Likely pathogenic (4). Last evaluated 2025-03-19.

Conditions:
Hereditary cancer-predisposing syndrome. Also called: Tumor predisposition; Hereditary Cancer Syndrome; Hereditary neoplastic syndrome; Neoplastic Syndromes, Hereditary. Identifiers: Orphanet 140162, MedGen C0027672, MeSH D009386, MONDO:0015356.
Familial cancer of breast. Also called: BREAST CANCER, FAMILIAL; Hereditary breast cancer; hereditary breast carcinoma. Identifiers: Orphanet 227535, MedGen C0346153, MONDO:0016419, OMIM 114480. Disease mechanism: loss of function.

Submissions (4):

Labcorp Genetics (formerly Invitae), Labcorp
Classification: Likely pathogenic for Familial cancer of breast. Last evaluated: 2025-03-19. Review status: criteria provided, single submitter. Criteria: Invitae Variant Classification Sherloc (09022015). Collection method: clinical testing. Allele origin: germline.
Comment: This sequence change affects an acceptor splice site in intron 12 of the CHEK2 gene. It is expected to disrupt RNA splicing. Variants that disrupt the donor or acceptor splice site typically lead to a loss of protein function (PMID: 16199547), and loss-of-function variants in CHEK2 are known to be pathogenic (PMID: 21876083, 24713400). This variant is not present in population databases (gnomAD no frequency). Disruption of this splice site has been observed in individual(s) with skin cancer (PMID: 32531112). ClinVar contains an entry for this variant (Variation ID: 410064). Algorithms developed to predict the effect of sequence changes on RNA splicing suggest that this variant may disrupt the consensus splice site. In summary, the currently available evidence indicates that the variant is pathogenic, but additional data are needed to prove that conclusively. Therefore, this variant has been classified as Likely Pathogenic.

Ambry Genetics
Classification: Likely pathogenic for Hereditary cancer-predisposing syndrome. Last evaluated: 2025-02-25. Review status: criteria provided, single submitter. Criteria: Ambry Variant Classification Scheme 2023. Collection method: clinical testing. Allele origin: germline.
Comment: The c.1376-1G>C intronic variant results from a G to C substitution one nucleotide upstream from coding exon 12 of the CHEK2 gene. This variant was not reported in population-based cohorts in the Genome Aggregation Database (gnomAD). This nucleotide position is highly conserved in available vertebrate species. In silico splice site analysis predicts that this alteration will weaken the native splice acceptor site and will result in the creation or strengthening of a novel splice acceptor site. RNA studies have demonstrated that this alteration results in abnormal splicing in the set of samples tested (Ambry internal data). Based on the majority of available evidence to date, this variant is likely to be pathogenic.

Baylor Genetics
Classification: Likely pathogenic for Familial cancer of breast. Last evaluated: 2023-11-15. Review status: criteria provided, single submitter. Criteria: ACMG Guidelines, 2015. Collection method: clinical testing. Allele origin: unknown.

Myriad Genetics, Inc.
Classification: Likely pathogenic for Familial cancer of breast. Last evaluated: 2023-06-28. Review status: criteria provided, single submitter. Criteria: Myriad Autosomal Dominant, Autosomal Recessive and X-Linked Classification Criteria (2023). Collection method: clinical testing. Allele origin: unknown.
Comment: This variant is considered likely pathogenic. This variant occurs within a consensus splice junction and is predicted to result in abnormal mRNA splicing of either an out-of-frame exon or an in-frame exon necessary for protein stability and/or normal function.

Literature cited by the submitters: PubMed 16199547 (cited by Labcorp Genetics (formerly Invitae), Labcorp); PubMed 21876083 (cited by Labcorp Genetics (formerly Invitae), Labcorp); PubMed 24713400 (cited by Labcorp Genetics (formerly Invitae), Labcorp); PubMed 32531112 (cited by Labcorp Genetics (formerly Invitae), Labcorp).

NM_007194.4(CHEK2):c.1376-1G>C

Gene: CHEK2 (checkpoint kinase 2; minus strand). Cytogenetic location: 22q12.1.
Variant type: single nucleotide variant.
Coding change: c.1376-1G>C on transcript NM_007194.4 (MANE Select); the canonical splice acceptor site of the intron before coding-DNA position 1376, G replaced by C.
Molecular consequence: splice acceptor variant.
Genome position (GRCh38, 1-based): chr22:28,694,118, C>G on the plus strand (G>C on the coding strand, the complement: CHEK2 is on the minus strand). VCF-style: chr22-28694118-C-G. GRCh37 (hg19) VCF-style: chr22-29090106-C-G.
Other names: c.713-1G>C (NM_001437942.1, NM_001257387.3); c.1175-1G>C (NM_001349956.3); c.1289-1G>C (NM_145862.3); c.1382-1G>C (NM_001438295.1); c.1469-1G>C (NM_001438293.1); c.1418-1G>C (NM_001438294.1); c.1505-1G>C (NM_001005735.3).
Identifiers: ClinVar variation 410064 (VCV000410064.19), dbSNP rs876659287, ClinGen allele CA16616311.